The following is an entry in ClinVar:

NM_001005361.3(DNM2):c.109G>T (p.Val37Leu)

Genes: DNM2 (dynamin 2; plus strand), LOC130063529 (ATAC-STARR-seq lymphoblastoid silent region 10090; plus strand). Cytogenetic location: 19p13.2.
Variant type: single nucleotide variant.
Coding change: c.109G>T on transcript NM_001005361.3 (MANE Select); coding-DNA position 109, G replaced by T.
Protein change: p.Val37Leu; replaces valine 37 with leucine.
Molecular consequence: missense variant.
Genome position (GRCh38, 1-based): chr19:10,718,351, G>T. VCF-style: chr19-10718351-G-T. GRCh37 (hg19) VCF-style: chr19-10829027-G-T.
Other names: c.109G>T, p.Val37Leu (NM_001005360.3, NM_001005362.3, NM_001190716.2 and 1 more transcripts); short protein forms V37L.
Identifiers: ClinVar variation 3004974 (VCV003004974.3), dbSNP rs2512931662, ClinGen allele CA404046702.
Genomic context (GRCh38, chr19:10,718,351, plus strand): 5'-CAGGACGCCTTCAGCTCCATCGGCCAGAGCTGCCACCTGGACCTGCCGCAGATCGCTGTA[G>T]TGGGCGGCCAGAGCGCCGGCAAGAGCTCGGTGCTGGAGAACTTCGTGGGCCGGTGAGCGG-3'
Protein context (NP_001005361.1, residues 27-47): CHLDLPQIAV[Val37Leu]GGQSAGKSSV

ClinVar aggregate classification (germline): Uncertain significance (1 of 4 stars; one submission).

Conditions:
Charcot-Marie-Tooth disease dominant intermediate B (CMTDIB). Also called: Charcot-Marie-Tooth disease dominant intermediate 1; CMT DI1; Charcot-Marie-Tooth disease dominant intermediate I; CHARCOT-MARIE-TOOTH NEUROPATHY, DOMINANT INTERMEDIATE B. Identifiers: Orphanet 100044, Orphanet 228179, MedGen C1847902, MONDO:0011674, OMIM 606482.

Submission:

Labcorp Genetics (formerly Invitae), Labcorp
Classification: Uncertain significance for Charcot-Marie-Tooth disease dominant intermediate B. Last evaluated: 2023-02-08. Review status: criteria provided, single submitter. Criteria: Invitae Variant Classification Sherloc (09022015). Collection method: clinical testing. Allele origin: germline.
Comment: In summary, the available evidence is currently insufficient to determine the role of this variant in disease. Therefore, it has been classified as a Variant of Uncertain Significance. Advanced modeling of protein sequence and biophysical properties (such as structural, functional, and spatial information, amino acid conservation, physicochemical variation, residue mobility, and thermodynamic stability) has been performed at Invitae for this missense variant, however the output from this modeling did not meet the statistical confidence thresholds required to predict the impact of this variant on DNM2 protein function. This variant has not been reported in the literature in individuals affected with DNM2-related conditions. This variant is not present in population databases (gnomAD no frequency). This sequence change replaces valine, which is neutral and non-polar, with leucine, which is neutral and non-polar, at codon 37 of the DNM2 protein (p.Val37Leu).